The following is an entry in ClinVar:

ClinVar aggregate classification (germline): Uncertain significance. Review status: criteria provided, multiple submitters, no conflicts (2 of 4 stars). 2 submissions from 2 submitters: Uncertain significance (2). Last evaluated 2024-10-04.

Conditions:
Hereditary cancer-predisposing syndrome. Also called: Tumor predisposition; Hereditary Cancer Syndrome; Hereditary neoplastic syndrome; Neoplastic Syndromes, Hereditary. Identifiers: Orphanet 140162, MedGen C0027672, MeSH D009386, MONDO:0015356.
Haddad syndrome (OHD). Also called: Ondine-Hirschsprung disease. Identifiers: Orphanet 99803, MedGen C1859049, MONDO:0020493.

Allele frequency attached by ClinVar (database versions not stated): gnomAD exomes below 0.00001; TOPMed below 0.00001; gnomAD 0.00001.

Submissions (2):

Ambry Genetics
Classification: Uncertain significance for Hereditary cancer-predisposing syndrome. Last evaluated: 2024-10-04. Review status: criteria provided, single submitter. Criteria: Ambry Variant Classification Scheme 2023. Collection method: clinical testing. Allele origin: germline.
Comment: The p.G303R variant (also known as c.907G>C), located in coding exon 3 of the PHOX2B gene, results from a G to C substitution at nucleotide position 907. The glycine at codon 303 is replaced by arginine, an amino acid with dissimilar properties. This amino acid position is highly conserved in available vertebrate species. In addition, this alteration is predicted to be tolerated by in silico analysis. Since supporting evidence is limited at this time, the clinical significance of this alteration remains unclear.

Labcorp Genetics (formerly Invitae), Labcorp
Classification: Uncertain significance for Haddad syndrome. Last evaluated: 2022-06-15. Review status: criteria provided, single submitter. Criteria: Invitae Variant Classification Sherloc (09022015). Collection method: clinical testing. Allele origin: germline.
Comment: Algorithms developed to predict the effect of missense changes on protein structure and function are either unavailable or do not agree on the potential impact of this missense change (SIFT: "Deleterious"; PolyPhen-2: "Not Available"; Align-GVGD: "Class C0"). In summary, the available evidence is currently insufficient to determine the role of this variant in disease. Therefore, it has been classified as a Variant of Uncertain Significance. ClinVar contains an entry for this variant (Variation ID: 486038). This variant has not been reported in the literature in individuals affected with PHOX2B-related conditions. This variant is present in population databases (no rsID available, gnomAD 0.002%). This sequence change replaces glycine, which is neutral and non-polar, with arginine, which is basic and polar, at codon 303 of the PHOX2B protein (p.Gly303Arg).

NM_003924.4(PHOX2B):c.907G>C (p.Gly303Arg)

Gene: PHOX2B (paired like homeobox 2B; minus strand). Cytogenetic location: 4p13.
Variant type: single nucleotide variant.
Coding change: c.907G>C on transcript NM_003924.4 (MANE Select); coding-DNA position 907, G replaced by C.
Protein change: p.Gly303Arg; replaces glycine 303 with arginine.
Molecular consequence: missense variant.
Genome position (GRCh38, 1-based): chr4:41,745,845, C>G on the plus strand (G>C on the coding strand, the complement: PHOX2B is on the minus strand). VCF-style: chr4-41745845-C-G. GRCh37 (hg19) VCF-style: chr4-41747862-C-G.
Other names: short protein forms G303R.
Identifiers: ClinVar variation 486038 (VCV000486038.14), dbSNP rs1324644005, ClinGen allele CA356736763.